The following is an entry in ClinVar:

ClinVar aggregate classification (germline): Likely benign. Review status: criteria provided, multiple submitters, no conflicts (2 of 4 stars). 3 submissions from 3 submitters: Likely benign (3). Last evaluated 2025-03-12.

Conditions:
TTLL5-related disorder. Also called: TTLL5-related condition.

Allele frequency attached by ClinVar (database versions not stated): ExAC 0.00002; gnomAD exomes 0.00002 and 0.00003; TOPMed 0.00004; gnomAD 0.00008 and 0.00009.
gnomAD v4.1: 62 of 1,613,028 alleles (0.0038%); highest among the groups gnomAD compares: Non-Finnish European, 0.0051%; no homozygotes.

Submissions (3):

PreventionGenetics, part of Exact Sciences
Classification: Likely benign for TTLL5-related condition. Last evaluated: 2025-03-12. Review status: criteria provided, single submitter. Criteria: ACMG Guidelines, 2015. Collection method: clinical testing. Allele origin: germline.
Comment: This variant is classified as likely benign based on ACMG/AMP sequence variant interpretation guidelines (Richards et al. 2015 PMID: 25741868, with internal and published modifications).

Labcorp Genetics (formerly Invitae), Labcorp
Classification: Likely benign. Last evaluated: 2024-10-17. Review status: criteria provided, single submitter. Criteria: Invitae Variant Classification Sherloc (09022015). Collection method: clinical testing. Allele origin: germline.

Blueprint Genetics
Classification: Likely benign. Last evaluated: 2024-08-14. Review status: criteria provided, single submitter. Criteria: ACMG Guidelines, 2015. Collection method: clinical testing. Allele origin: germline.

NM_015072.5(TTLL5):c.879A>G (p.Lys293=)

Gene: TTLL5 (tubulin tyrosine ligase like 5; plus strand). Cytogenetic location: 14q24.3.
Variant type: single nucleotide variant.
Coding change: c.879A>G on transcript NM_015072.5 (MANE Select); coding-DNA position 879, A replaced by G.
Protein change: p.Lys293=; no amino-acid change (lysine 293 retained).
Molecular consequence: synonymous variant.
Genome position (GRCh38, 1-based): chr14:75,719,771, A>G. VCF-style: chr14-75719771-A-G. GRCh37 (hg19) VCF-style: chr14-76186114-A-G.
Other names: c.879A>G (NM_015072.4).
Identifiers: ClinVar variation 1113780 (VCV001113780.9), dbSNP rs202058075, ClinGen allele CA7279145.